The following is an entry in ClinVar:

ClinVar aggregate classification (germline): Uncertain significance (1 of 4 stars; one submission).

Allele frequency attached by ClinVar (database versions not stated): gnomAD exomes below 0.00001.

Submission:

Labcorp Genetics (formerly Invitae), Labcorp
Classification: Uncertain significance. Last evaluated: 2020-02-25. Review status: criteria provided, single submitter. Criteria: Invitae Variant Classification Sherloc (09022015). Collection method: clinical testing. Allele origin: germline.
Comment: This sequence change replaces glutamic acid with glutamine at codon 303 of the RLBP1 protein (p.Glu303Gln). The glutamic acid residue is moderately conserved and there is a small physicochemical difference between glutamic acid and glutamine. This variant is not present in population databases (ExAC no frequency). This variant has not been reported in the literature in individuals with RLBP1-related conditions. Algorithms developed to predict the effect of missense changes on protein structure and function (SIFT, PolyPhen-2, Align-GVGD) all suggest that this variant is likely to be tolerated, but these predictions have not been confirmed by published functional studies and their clinical significance is uncertain. In summary, the available evidence is currently insufficient to determine the role of this variant in disease. Therefore, it has been classified as a Variant of Uncertain Significance.

NM_000326.5(RLBP1):c.907G>C (p.Glu303Gln)

Gene: RLBP1 (retinaldehyde binding protein 1; minus strand). Cytogenetic location: 15q26.1.
Variant type: single nucleotide variant.
Coding change: c.907G>C on transcript NM_000326.5 (MANE Select); coding-DNA position 907, G replaced by C.
Protein change: p.Glu303Gln; replaces glutamic acid 303 with glutamine.
Molecular consequence: missense variant.
Genome position (GRCh38, 1-based): chr15:89,210,332, C>G on the plus strand (G>C on the coding strand, the complement: RLBP1 is on the minus strand). VCF-style: chr15-89210332-C-G. GRCh37 (hg19) VCF-style: chr15-89753563-C-G.
Other names: short protein forms E303Q.
Identifiers: ClinVar variation 1000296 (VCV001000296.9), dbSNP rs2051526208, ClinGen allele CA393728441.